The following is an entry in ClinVar:

NM_144997.7(FLCN):c.1301-2del

Gene: FLCN (folliculin; minus strand). Cytogenetic location: 17p11.2.
Variant type: Deletion.
Coding change: c.1301-2del on transcript NM_144997.7 (MANE Select); the canonical splice acceptor site of the intron before coding-DNA position 1301, one base deleted (A; older notation c.1301-2delA).
Molecular consequence: splice acceptor variant.
Genome position (GRCh38, 1-based): chr17:17,215,318, T deleted on the plus strand (A on the coding strand, the reverse complement: FLCN is on the minus strand). VCF-style (leftmost placement, unchanged base first): chr17-17215317-CT-C. GRCh37 (hg19) VCF-style: chr17-17118631-CT-C.
Other names: c.1301-2del (NM_001353231.2, NM_001353230.2); c.1355-2del (NM_001353229.2).
Identifiers: ClinVar variation 1950999 (VCV001950999.5), dbSNP rs2544149417, ClinGen allele CA2580092711.

ClinVar aggregate classification (germline): Likely pathogenic (1 of 4 stars; one submission).

Conditions:
Birt-Hogg-Dube syndrome. Also called: Birt Hogg Dubé syndrome. Identifiers: Orphanet 122, MedGen C0346010, MONDO:0800444.

Submission:

Labcorp Genetics (formerly Invitae), Labcorp
Classification: Likely pathogenic for Birt-Hogg-Dube syndrome. Last evaluated: 2022-08-05. Review status: criteria provided, single submitter. Criteria: Invitae Variant Classification Sherloc (09022015). Collection method: clinical testing. Allele origin: germline.
Comment: This sequence change affects a splice site in intron 11 of the FLCN gene. It is expected to disrupt RNA splicing. Variants that disrupt the donor or acceptor splice site typically lead to a loss of protein function (PMID: 16199547), and loss-of-function variants in FLCN are known to be pathogenic (PMID: 15852235). In summary, the currently available evidence indicates that the variant is pathogenic, but additional data are needed to prove that conclusively. Therefore, this variant has been classified as Likely Pathogenic. Algorithms developed to predict the effect of sequence changes on RNA splicing suggest that this variant may disrupt the consensus splice site. This variant has not been reported in the literature in individuals affected with FLCN-related conditions. This variant is not present in population databases (gnomAD no frequency).

Literature cited by the submitters: PubMed 16199547; PubMed 15852235.